The following is an entry in ClinVar:

ClinVar aggregate classification (germline): Uncertain significance. Review status: criteria provided, multiple submitters, no conflicts (2 of 4 stars). 2 submissions from 2 submitters: Uncertain significance (2). Last evaluated 2024-07-02.

Submissions (2):

Labcorp Genetics (formerly Invitae), Labcorp
Classification: Uncertain significance. Last evaluated: 2024-07-02. Review status: criteria provided, single submitter. Criteria: Invitae Variant Classification Sherloc (09022015). Collection method: clinical testing. Allele origin: germline.
Comment: This sequence change replaces methionine, which is neutral and non-polar, with threonine, which is neutral and polar, at codon 574 of the PDE6B protein (p.Met574Thr). This variant is not present in population databases (gnomAD no frequency). This variant has not been reported in the literature in individuals affected with PDE6B-related conditions. Algorithms developed to predict the effect of missense changes on protein structure and function output the following: SIFT: "Not Available"; PolyPhen-2: "Benign"; Align-GVGD: "Not Available". The threonine amino acid residue is found in multiple mammalian species, which suggests that this missense change does not adversely affect protein function. In summary, the available evidence is currently insufficient to determine the role of this variant in disease. Therefore, it has been classified as a Variant of Uncertain Significance.

Blueprint Genetics
Classification: Uncertain significance. Last evaluated: 2019-08-21. Review status: criteria provided, single submitter. Criteria: ACMG Guidelines, 2015. Collection method: clinical testing. Allele origin: germline.

NM_000283.4(PDE6B):c.1721T>C (p.Met574Thr)

Gene: PDE6B (phosphodiesterase 6B; plus strand). Cytogenetic location: 4p16.3.
Variant type: single nucleotide variant.
Coding change: c.1721T>C on transcript NM_000283.4 (MANE Select); coding-DNA position 1721, T replaced by C.
Protein change: p.Met574Thr; replaces methionine 574 with threonine.
Molecular consequence: missense variant.
Genome position (GRCh38, 1-based): chr4:662,240, T>C. VCF-style: chr4-662240-T-C. GRCh37 (hg19) VCF-style: chr4-656029-T-C.
Other names: c.1721T>C, p.Met574Thr (NM_001145291.2); c.884T>C, p.Met295Thr (NM_001145292.2, NM_001350154.3, NM_001379246.1 and 1 more transcripts); c.566T>C, p.Met189Thr (NM_001350155.3); short protein forms M574T, M189T, M295T.
Identifiers: ClinVar variation 3683488 (VCV003683488.3).